The following is an entry in ClinVar:

NM_033004.4(NLRP1):c.719C>A (p.Thr240Lys)

Gene: NLRP1 (NLR family pyrin domain containing 1; minus strand). Cytogenetic location: 17p13.2.
Variant type: single nucleotide variant.
Coding change: c.719C>A on transcript NM_033004.4 (MANE Select); coding-DNA position 719, C replaced by A.
Protein change: p.Thr240Lys; replaces threonine 240 with lysine.
Molecular consequence: missense variant.
Genome position (GRCh38, 1-based): chr17:5,559,977, G>T on the plus strand (C>A on the coding strand, the complement: NLRP1 is on the minus strand). VCF-style: chr17-5559977-G-T. GRCh37 (hg19) VCF-style: chr17-5463297-G-T.
Other names: c.719C>A, p.Thr240Lys (NM_001033053.3, NM_014922.5, NM_033006.4 and 1 more transcripts); short protein forms T240K.
Identifiers: ClinVar variation 4730154 (VCV004730154.1).
Genomic context (GRCh38, chr17:5,559,977, plus strand): 5'-CTCACAGAAGGCTCCCATGGGTGGTGGTGGGGCTGTAGGCTGGTGTGCGCCTGTGGGGGC[G>T]TTCCTACCACCGCTGCCCATGGGGGCCTGCCTTTCTCTGATTTCTCTCTCTCTCTTTCTC-3'
Protein context (NP_127497.1, residues 230-250): GRPPWAAVVG[Thr240Lys]PPQAHTSLQP

ClinVar aggregate classification (germline): Uncertain significance (1 of 4 stars; one submission).

Submission:

Labcorp Genetics (formerly Invitae), Labcorp
Classification: Uncertain significance. Last evaluated: 2025-10-29. Review status: criteria provided, single submitter. Criteria: Invitae Variant Classification Sherloc (09022015). Collection method: clinical testing. Allele origin: germline.
Comment: This sequence change replaces threonine, which is neutral and polar, with lysine, which is basic and polar, at codon 240 of the NLRP1 protein (p.Thr240Lys). This variant is not present in population databases (gnomAD no frequency). This variant has not been reported in the literature in individuals affected with NLRP1-related conditions. An algorithm developed to predict the effect of missense changes on protein structure and function (PolyPhen-2) suggests that this variant is likely to be tolerated. In summary, the available evidence is currently insufficient to determine the role of this variant in disease. Therefore, it has been classified as a Variant of Uncertain Significance.